The following is an entry in ClinVar:

NM_001144869.3(LIPT2):c.472C>T (p.Arg158Cys)

Gene: LIPT2 (lipoyl(octanoyl) transferase 2; minus strand). Cytogenetic location: 11q13.4.
Variant type: single nucleotide variant.
Coding change: c.472C>T on transcript NM_001144869.3 (MANE Select); coding-DNA position 472, C replaced by T.
Protein change: p.Arg158Cys; replaces arginine 158 with cysteine.
Molecular consequence: missense variant. On other transcripts: synonymous variant (2).
Genome position (GRCh38, 1-based): chr11:74,492,359, G>A on the plus strand (C>T on the coding strand, the complement: LIPT2 is on the minus strand). VCF-style: chr11-74492359-G-A. GRCh37 (hg19) VCF-style: chr11-74203404-G-A.
Other names: c.510C>T, p.Ser170= (NM_001329941.2); c.243C>T, p.Ser81= (NM_001329942.2); c.472C>T (NM_001144869.1); short protein forms R158C.
Identifiers: ClinVar variation 2187954 (VCV002187954.5), dbSNP rs1007474993, ClinGen allele CA224979160.

ClinVar aggregate classification (germline): Uncertain significance. Review status: criteria provided, multiple submitters, no conflicts (2 of 4 stars). 2 submissions from 2 submitters: Uncertain significance (2). Last evaluated 2025-01-24.

Allele frequency attached by ClinVar (database versions not stated): gnomAD 0.00001.
gnomAD v4.1: 7 of 1,550,562 alleles (0.00045%); highest among the groups gnomAD compares: Admixed American, 0.0039%; no homozygotes.

Submissions (2):

Ambry Genetics
Classification: Uncertain significance. Last evaluated: 2025-01-24. Review status: criteria provided, single submitter. Criteria: Ambry Variant Classification Scheme 2023. Collection method: clinical testing. Allele origin: germline.

Labcorp Genetics (formerly Invitae), Labcorp
Classification: Uncertain significance. Last evaluated: 2023-11-27. Review status: criteria provided, single submitter. Criteria: Invitae Variant Classification Sherloc (09022015). Collection method: clinical testing. Allele origin: germline.
Comment: This sequence change replaces arginine, which is basic and polar, with cysteine, which is neutral and slightly polar, at codon 158 of the LIPT2 protein (p.Arg158Cys). This variant is not present in population databases (gnomAD no frequency). This variant has not been reported in the literature in individuals affected with LIPT2-related conditions. ClinVar contains an entry for this variant (Variation ID: 2187954). An algorithm developed to predict the effect of missense changes on protein structure and function (PolyPhen-2) suggests that this variant is likely to be disruptive. In summary, the available evidence is currently insufficient to determine the role of this variant in disease. Therefore, it has been classified as a Variant of Uncertain Significance.